The following is an entry in ClinVar:

ClinVar aggregate classification (germline): Conflicting classifications of pathogenicity. Review status: criteria provided, conflicting classifications (1 of 4 stars). 10 submissions from 10 submitters: Uncertain significance (8); Benign (1); Likely benign (1). Last evaluated 2026-05-20.

Conditions:
TSC2-related disorder. Also called: TSC2-related condition; TSC2-Related Disorders.
Hereditary cancer-predisposing syndrome. Also called: Neoplastic Syndromes, Hereditary; Hereditary neoplastic syndrome; Hereditary Cancer Syndrome; Tumor predisposition. Identifiers: Orphanet 140162, MedGen C0027672, MeSH D009386, MONDO:0015356.
Tuberous sclerosis syndrome (TSC). Also called: Tuberous sclerosis; Tuberous Sclerosis Complex. Identifiers: Orphanet 805, MedGen C0041341, MONDO:0001734.
Isolated focal cortical dysplasia type II (FCORD2). Also called: CORTICAL DYSPLASIA OF TAYLOR; Focal cortical dysplasia type II. Identifiers: Orphanet 268994, MedGen C1846385, MONDO:0011818, OMIM 607341, HP:0032051.
Tuberous sclerosis 2 (TSC2). Identifiers: Orphanet 805, MedGen C1860707, MONDO:0013199, OMIM 613254.

Allele frequency attached by ClinVar (database versions not stated): gnomAD 0.00003 and 0.00004; TOPMed 0.00003.
gnomAD v4.1: 5 of 1,603,002 alleles (0.00031%); highest among the groups gnomAD compares: African/African-American, 0.0067%; no homozygotes.

Submissions (10):

PreventionGenetics, part of Exact Sciences
Classification: Uncertain significance for TSC2-related condition. Last evaluated: 2026-05-20. Review status: criteria provided, single submitter. Criteria: ACMG Guidelines, 2015. Collection method: clinical testing. Allele origin: germline.
Comment: The TSC2 c.921C>G variant is predicted to result in the amino acid substitution p.His307Gln. To our knowledge, this variant has not been reported in the literature or in a large population database (gnomAD), indicating this variant is rare. This variant has conflicting interpretations of pathogenicity in ClinVar ranging from benign to uncertain (Variation ID: 238096). Although we suspect that this variant may be benign, at this time, the clinical significance of this variant is uncertain due to the absence of conclusive functional and genetic evidence.

Labcorp Genetics (formerly Invitae), Labcorp
Classification: Benign for Tuberous sclerosis 2. Last evaluated: 2025-10-25. Review status: criteria provided, single submitter. Criteria: Invitae Variant Classification Sherloc (09022015). Collection method: clinical testing. Allele origin: germline.

GeneDx
Classification: Uncertain significance. Last evaluated: 2025-08-31. Review status: criteria provided, single submitter. Criteria: GeneDx Variant Classification Process June 2021. Collection method: clinical testing. Allele origin: germline. Affected: yes.
Comment: Not observed at significant frequency in large population cohorts (gnomAD); In silico analysis supports that this missense variant has a deleterious effect on protein structure/function; Has not been previously published as pathogenic or benign to our knowledge; This variant is associated with the following publications: (PMID: 18466115)

All of Us Research Program, National Institutes of Health
Classification: Uncertain significance for Tuberous sclerosis syndrome. Last evaluated: 2024-09-23. Review status: criteria provided, single submitter. Criteria: ACMG Guidelines, 2015. Collection method: clinical testing. Allele origin: germline. Inheritance: Autosomal dominant inheritance. Observed: 5 variant alleles, 5 heterozygotes.
Comment: This missense variant replaces histidine with glutamine at codon 307 of the TSC2 protein. Computational prediction suggests that this variant may not impact protein structure and function (internally defined REVEL score threshold <= 0.5, PMID: 27666373). To our knowledge, functional studies have not been reported for this variant. This variant has not been reported in individuals affected with tuberous sclerosis complex in the literature. This variant has not been identified in the general population by the Genome Aggregation Database (gnomAD). The available evidence is insufficient to determine the role of this variant in disease conclusively. Therefore, this variant is classified as a Variant of Uncertain Significance.

This study involves interpretation of variants in research participants for the purpose of population health screening. Participant phenotype was not available at the time of variant classification. Additional details can be found in publication PMID: 35346344, PMCID: PMC8962531

Color Diagnostics, LLC DBA Color Health
Classification: Uncertain significance for Tuberous sclerosis syndrome. Last evaluated: 2024-03-06. Review status: criteria provided, single submitter. Criteria: ACMG Guidelines, 2015. Collection method: clinical testing. Allele origin: germline.
Comment: This missense variant replaces histidine with glutamine at codon 307 of the TSC2 protein. Computational prediction suggests that this variant may not impact protein structure and function. To our knowledge, functional studies have not been reported for this variant. This variant has not been reported in individuals affected with tuberous sclerosis complex in the literature. This variant has not been identified in the general population by the Genome Aggregation Database (gnomAD). The available evidence is insufficient to determine the role of this variant in disease conclusively. Therefore, this variant is classified as a Variant of Uncertain Significance.

Baylor Genetics
Classification: Uncertain significance for Isolated focal cortical dysplasia type II. Last evaluated: 2023-10-09. Review status: criteria provided, single submitter. Criteria: ACMG Guidelines, 2015. Collection method: clinical testing. Allele origin: unknown.

Women's Health and Genetics/Laboratory Corporation of America, LabCorp
Classification: Uncertain significance. Last evaluated: 2023-06-15. Review status: criteria provided, single submitter. Criteria: LabCorp Variant Classification Summary - May 2015. Collection method: clinical testing. Allele origin: germline.

Ambry Genetics
Classification: Likely benign for Hereditary cancer-predisposing syndrome. Last evaluated: 2022-10-26. Review status: criteria provided, single submitter. Criteria: Ambry Variant Classification Scheme 2023. Collection method: clinical testing. Allele origin: germline.

St. Jude Molecular Pathology, St. Jude Children's Research Hospital
Classification: Uncertain significance for Tuberous sclerosis 2. Last evaluated: 2022-03-31. Review status: criteria provided, single submitter. Criteria: St. Jude Assertion Criteria 2020. Collection method: clinical testing. Allele origin: germline.
Comment: The TSC2 c.921C>G (p.His307Gln) missense change is absent in gnomAD v2.1.1 (PM2_supporting). In silico tools are not in agreement about the effect of this variant on protein function, but to our knowledge these predictions have not been confirmed by functional assays. To our knowledge, this variant has not been reported in individuals with tuberous sclerosis complex. In summary, this variant meets criteria to be classified as of uncertain significance based on the ACMG/AMP criteria: PM2_supporting.

Genome-Nilou Lab
Classification: Uncertain significance for Tuberous sclerosis 2. Last evaluated: 2021-11-07. Review status: criteria provided, single submitter. Criteria: ACMG Guidelines, 2015. Collection method: clinical testing. Allele origin: germline. Affected: no.

NM_000548.5(TSC2):c.921C>G (p.His307Gln)

Gene: TSC2 (TSC complex subunit 2; plus strand). Cytogenetic location: 16p13.3.
Variant type: single nucleotide variant.
Coding change: c.921C>G on transcript NM_000548.5 (MANE Select); coding-DNA position 921, C replaced by G.
Protein change: p.His307Gln; replaces histidine 307 with glutamine.
Molecular consequence: missense variant.
Genome position (GRCh38, 1-based): chr16:2,058,819, C>G. VCF-style: chr16-2058819-C-G. GRCh37 (hg19) VCF-style: chr16-2108820-C-G.
Other names: c.921C>G (NM_000548.4); c.921C>G, p.His307Gln (NM_001077183.3, NM_001114382.3, NM_001363528.2 and 3 more transcripts); c.810C>G, p.His270Gln (NM_001318827.2); c.774C>G, p.His258Gln (NM_001318829.2); c.321C>G, p.His107Gln (NM_001318831.2); c.954C>G, p.His318Gln (NM_001318832.2); short protein forms H307Q, H258Q, H107Q, H270Q, H318Q.
Identifiers: ClinVar variation 238096 (VCV000238096.27), dbSNP rs878854121, ClinGen allele CA10583287.